The following is an entry in ClinVar:

ClinVar aggregate classification (germline): Uncertain significance (1 of 4 stars; one submission).

Conditions:
Peroxisome biogenesis disorder. Identifiers: Orphanet 79189, MedGen C1832200, MONDO:0019234. Disease mechanism: loss of function.

Allele frequency attached by ClinVar (database versions not stated): gnomAD exomes below 0.00001.
gnomAD v4.1: 1 of 1,614,208 alleles (0.000062%); highest among the groups gnomAD compares: Non-Finnish European, 0.000085%; no homozygotes.

Submission:

Labcorp Genetics (formerly Invitae), Labcorp
Classification: Uncertain significance for Peroxisome biogenesis disorder. Last evaluated: 2022-07-26. Review status: criteria provided, single submitter. Criteria: Invitae Variant Classification Sherloc (09022015). Collection method: clinical testing. Allele origin: germline.
Comment: This sequence change replaces proline, which is neutral and non-polar, with serine, which is neutral and polar, at codon 396 of the PEX6 protein (p.Pro396Ser). This variant is present in population databases (no rsID available, gnomAD 0.0009%). This variant has not been reported in the literature in individuals affected with PEX6-related conditions. ClinVar contains an entry for this variant (Variation ID: 1404560). Algorithms developed to predict the effect of missense changes on protein structure and function (SIFT, PolyPhen-2, Align-GVGD) all suggest that this variant is likely to be tolerated. In summary, the available evidence is currently insufficient to determine the role of this variant in disease. Therefore, it has been classified as a Variant of Uncertain Significance.

NM_000287.4(PEX6):c.1186C>T (p.Pro396Ser)

Gene: PEX6 (peroxisomal biogenesis factor 6; minus strand). Cytogenetic location: 6p21.1.
Variant type: single nucleotide variant.
Coding change: c.1186C>T on transcript NM_000287.4 (MANE Select); coding-DNA position 1186, C replaced by T.
Protein change: p.Pro396Ser; replaces proline 396 with serine.
Molecular consequence: missense variant. On other transcripts: non-coding transcript variant (1).
Genome position (GRCh38, 1-based): chr6:42,969,932, G>A on the plus strand (C>T on the coding strand, the complement: PEX6 is on the minus strand). VCF-style: chr6-42969932-G-A. GRCh37 (hg19) VCF-style: chr6-42937670-G-A.
Other names: c.922C>T, p.Pro308Ser (NM_001316313.2); short protein forms P308S, P396S.
Identifiers: ClinVar variation 1404560 (VCV001404560.5), dbSNP rs1239197537, ClinGen allele CA364156142.